The following is an entry in ClinVar:

NM_000478.6(ALPL):c.659G>A (p.Gly220Glu)

Gene: ALPL (alkaline phosphatase, biomineralization associated; plus strand). Cytogenetic location: 1p36.12.
Variant type: single nucleotide variant.
Coding change: c.659G>A on transcript NM_000478.6 (MANE Select); coding-DNA position 659, G replaced by A.
Protein change: p.Gly220Glu; replaces glycine 220 with glutamic acid.
Molecular consequence: missense variant.
Genome position (GRCh38, 1-based): chr1:21,568,114, G>A. VCF-style: chr1-21568114-G-A. GRCh37 (hg19) VCF-style: chr1-21894607-G-A.
Other names: c.494G>A, p.Gly165Glu (NM_001127501.4); c.428G>A, p.Gly143Glu (NM_001177520.3); c.659G>A, p.Gly220Glu (NM_001369803.2, NM_001369804.2, NM_001369805.2); short protein forms G143E, G220E, G165E.
Identifiers: ClinVar variation 2761086 (VCV002761086.7), dbSNP rs1644592603, ClinGen allele CA338879047.
Genomic context (GRCh38, chr1:21,568,114, plus strand): 5'-TTCTGGGCATCTTGGAACCCTGCAGAAGTGATGGCTCCTGTCTCTTTTAGGTGATCATGG[G>A]GGGTGGCCGGAAATACATGTACCCCAAGAATAAAACTGATGTGGAGTATGAGAGTGACGA-3'
Protein context (NP_000469.3, residues 210-230): HNIRDIDVIM[Gly220Glu]GGRKYMYPKN

ClinVar aggregate classification (germline): Likely pathogenic. Review status: criteria provided, multiple submitters, no conflicts (2 of 4 stars). 4 submissions from 3 submitters: Likely pathogenic (4). Last evaluated 2024-03-21.

Conditions:
Hypophosphatasia. Also called: Phosphoethanol-aminuria. Identifiers: Orphanet 436, MedGen C0020630, MeSH D007014, MONDO:0018570.
Adult hypophosphatasia. Identifiers: Orphanet 247676, Orphanet 436, MedGen C0268413, MONDO:1010154, OMIM 146300, MONDO:0007798.
Infantile hypophosphatasia. Identifiers: Orphanet 247651, Orphanet 436, MedGen C0268412, MONDO:1010169, OMIM 241500, MONDO:0009427.
Childhood hypophosphatasia. Identifiers: Orphanet 247667, Orphanet 436, MedGen C0220743, MONDO:1010168, OMIM 241510, MONDO:0009428.
Alpha thalassemia-X-linked intellectual disability syndrome (ATRX). Also called: ALPHA-THALASSEMIA/MENTAL RETARDATION SYNDROME, X-LINKED; ATR, NONDELETION TYPE; ATR-X syndrome; Alpha thalassemia mental retardation syndrome, nondeletion type, X-linked; XLMR hypotonic face syndrome; X-linked alpha-thalassemia-mental retardation syndrome. Identifiers: Orphanet 847, MedGen C1845055, MONDO:0010519, OMIM 301040.

gnomAD v4.1: 2 of 1,614,112 alleles (0.00012%); highest among the groups gnomAD compares: Non-Finnish European, 0.00017%; no homozygotes.

Submissions (4):

Fulgent Genetics
Classification: Likely pathogenic for Adult hypophosphatasia; Infantile hypophosphatasia; Childhood hypophosphatasia. Last evaluated: 2024-03-21. Review status: criteria provided, single submitter. Criteria: ACMG Guidelines, 2015. Collection method: clinical testing. Allele origin: germline.

Women's Health and Genetics/Laboratory Corporation of America, LabCorp
Classification: Likely pathogenic for Hypophosphatasia. Last evaluated: 2024-03-20. Review status: criteria provided, single submitter. Criteria: LabCorp Variant Classification Summary - May 2015. Collection method: clinical testing. Allele origin: germline.
Comment: Variant summary: ALPL c.659G>A (p.Gly220Glu) results in a non-conservative amino acid change in the encoded protein sequence. Five of five in-silico tools predict a damaging effect of the variant on protein function. The variant was absent in 251476 control chromosomes. To our knowledge, no occurrence of c.659G>A in individuals affected with Hypophosphatasia and no experimental evidence demonstrating its impact on protein function have been reported. However, multiple different variants located at the same codon (c.658G>A (p.Gly220Arg), c.659G>C (p.Gly220Ala), c.659G>T (p.Gly220Val) have been classified as pathogenic supporting a critical relevance of this residue to ALPL function. Alterations at this residue were associated autosomal recessive hypophosphatasia (PMID: 12815606, 22394703, 28663156, 22397652, 25731960, 11438998). ClinVar contains an entry for this variant (Variation ID: 2761086). Based on the evidence outlined above, the variant was classified as likely pathogenic.

Women's Health and Genetics/Laboratory Corporation of America, LabCorp
Classification: Likely pathogenic for Alpha thalassemia-X-linked intellectual disability syndrome. Last evaluated: 2024-03-20. Review status: criteria provided, single submitter. Criteria: LabCorp Variant Classification Summary - May 2015. Collection method: clinical testing. Allele origin: germline.
Comment: Variant summary: ATRX c.659G>A (p.Cys220Tyr) results in a non-conservative amino acid change located in the ADD domain (IPR025766) of the encoded protein sequence. Five of five in-silico tools predict a damaging effect of the variant on protein function. The variant was absent in 183067 control chromosomes (gnomAD). c.659G>A has been reported in the literature co-segregating with disease in a family with multiple individuals affected with ATR-X Syndrome (Stevenson_2000). These data indicate that the variant is likely to be associated with disease. To our knowledge, no experimental evidence demonstrating an impact on protein function has been reported. A ClinVar submitter (evaluation after 2014) cites the variant as pathogenic. Based on the evidence outlined above, the variant was classified as likely pathogenic.

Labcorp Genetics (formerly Invitae), Labcorp
Classification: Likely pathogenic. Last evaluated: 2023-09-19. Review status: criteria provided, single submitter. Criteria: Invitae Variant Classification Sherloc (09022015). Collection method: clinical testing. Allele origin: germline.
Comment: This sequence change replaces glycine, which is neutral and non-polar, with glutamic acid, which is acidic and polar, at codon 220 of the ALPL protein (p.Gly220Glu). This variant is not present in population databases (gnomAD no frequency). This variant has not been reported in the literature in individuals affected with ALPL-related conditions. Advanced modeling of protein sequence and biophysical properties (such as structural, functional, and spatial information, amino acid conservation, physicochemical variation, residue mobility, and thermodynamic stability) performed at Invitae indicates that this missense variant is expected to disrupt ALPL protein function. This variant disrupts the p.Gly220 amino acid residue in ALPL. Other variant(s) that disrupt this residue have been determined to be pathogenic (PMID: 11438998, 12815606, 22397652, 25731960). This suggests that this residue is clinically significant, and that variants that disrupt this residue are likely to be disease-causing. In summary, the currently available evidence indicates that the variant is pathogenic, but additional data are needed to prove that conclusively. Therefore, this variant has been classified as Likely Pathogenic.

Literature cited by the submitters: PubMed 11438998 (cited by Labcorp Genetics (formerly Invitae), Labcorp); PubMed 12815606 (cited by Labcorp Genetics (formerly Invitae), Labcorp); PubMed 22397652 (cited by Labcorp Genetics (formerly Invitae), Labcorp); PubMed 25731960 (cited by Labcorp Genetics (formerly Invitae), Labcorp).